The following is an entry in ClinVar:

ClinVar aggregate classification (germline): Uncertain significance (1 of 4 stars; one submission).

gnomAD v4.1: 1 of 1,614,164 alleles (0.000062%); highest among the groups gnomAD compares: Non-Finnish European, 0.000085%; no homozygotes.

Submission:

Labcorp Genetics (formerly Invitae), Labcorp
Classification: Uncertain significance. Last evaluated: 2023-09-09. Review status: criteria provided, single submitter. Criteria: Invitae Variant Classification Sherloc (09022015). Collection method: clinical testing. Allele origin: germline.
Comment: Advanced modeling of protein sequence and biophysical properties (such as structural, functional, and spatial information, amino acid conservation, physicochemical variation, residue mobility, and thermodynamic stability) performed at Invitae indicates that this missense variant is expected to disrupt PLXNA2 protein function. In summary, the available evidence is currently insufficient to determine the role of this variant in disease. Therefore, it has been classified as a Variant of Uncertain Significance. This sequence change replaces threonine, which is neutral and polar, with isoleucine, which is neutral and non-polar, at codon 1777 of the PLXNA2 protein (p.Thr1777Ile). This variant is not present in population databases (gnomAD no frequency). This variant has not been reported in the literature in individuals affected with PLXNA2-related conditions.

NM_025179.4(PLXNA2):c.5330C>T (p.Thr1777Ile)

Gene: PLXNA2 (plexin A2; minus strand). Cytogenetic location: 1q32.2.
Variant type: single nucleotide variant.
Coding change: c.5330C>T on transcript NM_025179.4 (MANE Select); coding-DNA position 5330, C replaced by T.
Protein change: p.Thr1777Ile; replaces threonine 1777 with isoleucine.
Molecular consequence: missense variant.
Genome position (GRCh38, 1-based): chr1:208,028,938, G>A on the plus strand (C>T on the coding strand, the complement: PLXNA2 is on the minus strand). VCF-style: chr1-208028938-G-A. GRCh37 (hg19) VCF-style: chr1-208202283-G-A.
Other names: short protein forms T1777I.
Identifiers: ClinVar variation 2785445 (VCV002785445.3), dbSNP rs1664420365, ClinGen allele CA344556888.